The following is an entry in ClinVar:

NM_000486.6(AQP2):c.601C>T (p.His201Tyr)

Genes: AQP2 (aquaporin 2; plus strand), AQP5-AS1 (AQP5 and AQP2 antisense RNA 2; minus strand). Cytogenetic location: 12q13.12.
Variant type: single nucleotide variant.
Coding change: c.601C>T on transcript NM_000486.6 (MANE Select); coding-DNA position 601, C replaced by T.
Protein change: p.His201Tyr; replaces histidine 201 with tyrosine.
Molecular consequence: missense variant.
Genome position (GRCh38, 1-based): chr12:49,954,705, C>T. VCF-style: chr12-49954705-C-T. GRCh37 (hg19) VCF-style: chr12-50348488-C-T.
Other names: short protein forms H201Y.
Identifiers: ClinVar variation 4709959 (VCV004709959.1).
Genomic context (GRCh38, chr12:49,954,705, plus strand): 5'-TGCTCTATGAATCCTGCCCGCTCCCTGGCTCCAGCTGTCGTCACTGGCAAATTTGATGAC[C>T]ACTGGGTAATGGCTGAAACCCCCTGCCCTCCCCTTCTCTAGAAACCCATTTTAGAGGGAG-3'
Protein context (NP_000477.1, residues 191-211): PAVVTGKFDD[His201Tyr]WVFWIGPLVG

ClinVar aggregate classification (germline): Uncertain significance (1 of 4 stars; one submission).

Submission:

Labcorp Genetics (formerly Invitae), Labcorp
Classification: Uncertain significance. Last evaluated: 2025-12-23. Review status: criteria provided, single submitter. Criteria: Invitae Variant Classification Sherloc (09022015). Collection method: clinical testing. Allele origin: germline.
Comment: This sequence change replaces histidine, which is basic and polar, with tyrosine, which is neutral and polar, at codon 201 of the AQP2 protein (p.His201Tyr). This variant is not present in population databases (gnomAD no frequency). This missense change has been observed in individual(s) with autosomal recessive nephrogenic diabetes insipidus (PMID: 22249485). Invitae Evidence Modeling of protein sequence and biophysical properties (such as structural, functional, and spatial information, amino acid conservation, physicochemical variation, residue mobility, and thermodynamic stability) indicates that this missense variant is expected to disrupt AQP2 protein function with a positive predictive value of 80%. In summary, the available evidence is currently insufficient to determine the role of this variant in disease. Therefore, it has been classified as a Variant of Uncertain Significance.

Literature cited by the submitters: PubMed 22249485.